The following is an entry in ClinVar:

ClinVar aggregate classification (germline): Benign. Review status: criteria provided, multiple submitters, no conflicts (2 of 4 stars). 4 submissions from 2 submitters: Benign (4). Last evaluated 2018-01-12.

Conditions:
TP63-Related Spectrum Disorders.
Orofacial cleft 8. Also called: Cleft lip with or without cleft palate, nonsyndromic, 8. Identifiers: MedGen C1851878, MONDO:0029145, OMIM 618149.
Ectrodactyly, ectodermal dysplasia, and cleft lip-palate syndrome 3. Also called: Ectrodactyly, Ectodermal Dysplasia, Clefting Syndrome; EEC SYNDROME 3; Ectrodactyly, Ectodermal Dysplasia, Clefting Syndrome Type 3 (EEC3); Ectrodactyly, Ectodermal Dysplasia, Cleft Lip/Palate Syndrome 3 (EEC3). Identifiers: Orphanet 1896, MedGen C1858562, MONDO:0011428, OMIM 604292.

Allele frequency attached by ClinVar (database versions not stated): TOPMed 0.04575; gnomAD 0.04622; 1000 Genomes Project 30x 0.05262; 1000 Genomes Project 0.05471; gnomAD exomes 0.06172.

Submissions (4):

Illumina Laboratory Services, Illumina
Classification: Benign for Orofacial cleft 8. Last evaluated: 2018-01-12. Review status: criteria provided, single submitter. Criteria: ICSL Variant Classification Criteria 13 December 2019. Collection method: clinical testing. Allele origin: germline.
Comment: This variant was observed in the ICSL laboratory as part of a predisposition screen in an ostensibly healthy population. It had not been previously curated by ICSL or reported in the Human Gene Mutation Database (HGMD: prior to June 1st, 2018), and was therefore a candidate for classification through an automated scoring system. Utilizing variant allele frequency, disease prevalence and penetrance estimates, and inheritance mode, an automated score was calculated to assess if this variant is too frequent to cause the disease. Based on the score and internal cut-off values, a variant classified as benign is not then subjected to further curation. The score for this variant resulted in a classification of benign for this disease.

Illumina Laboratory Services, Illumina
Classification: Benign for Ectrodactyly, ectodermal dysplasia, and cleft lip-palate syndrome 3. Last evaluated: 2018-01-12. Review status: criteria provided, single submitter. Criteria: ICSL Variant Classification Criteria 13 December 2019. Collection method: clinical testing. Allele origin: germline.
Comment: the same text as in the submission from Illumina Laboratory Services, Illumina above.

Illumina Laboratory Services, Illumina
Classification: Benign for TP63-Related Spectrum Disorders. Last evaluated: 2018-01-12. Review status: criteria provided, single submitter. Criteria: ICSL Variant Classification Criteria 13 December 2019. Collection method: clinical testing. Allele origin: germline.
Comment: the same text as in the submission from Illumina Laboratory Services, Illumina above.

Breakthrough Genomics
Classification: Benign. Review status: criteria provided, single submitter. Criteria: ACMG Guidelines, 2015. Collection method: not provided. Allele origin: germline. Inheritance: Autosomal dominant inheritance. Affected: yes.

NM_003722.5(TP63):c.*435C>T

Gene: TP63 (tumor protein p63; plus strand). Cytogenetic location: 3q28.
Variant type: single nucleotide variant.
Coding change: c.*435C>T on transcript NM_003722.5 (MANE Select); 435 bases downstream of the stop codon, C replaced by T.
Molecular consequence: 3 prime UTR variant.
Genome position (GRCh38, 1-based): chr3:189,894,937, C>T. VCF-style: chr3-189894937-C-T. GRCh37 (hg19) VCF-style: chr3-189612726-C-T.
Other names: c.*716C>T (NM_001114978.2, NM_001114981.2); c.*435C>T (NM_001114980.2, NM_001329146.2, NM_001329148.2 and 1 more transcripts); c.*706C>T (NM_001329144.2, NM_001329145.2, NM_001329149.2 and 1 more transcripts).
Identifiers: ClinVar variation 344399 (VCV000344399.7), dbSNP rs78233713, ClinGen allele CA10617813.